The following is an entry in ClinVar:

NM_002693.3(POLG):c.126GCA[9] (p.Gln54_Gln55del)

Genes: POLG (DNA polymerase gamma, catalytic subunit; minus strand), POLGARF (POLG alternative reading frame; minus strand). Cytogenetic location: 15q26.1.
Variant type: Microsatellite.
Coding change: c.126GCA[9] on transcript NM_002693.3 (MANE Select); nine copies in a row of the 3-base unit GCA starting at c.126; the reference has 11 copies in a row; two copies, 6 bases deleted; also written c.153_158del.
Protein change: p.Gln54_Gln55del.
Molecular consequence: inframe deletion.
Genome position (GRCh38, 1-based): chr15:89,333,597-89,333,602, TGCTGC deleted on the plus strand (GCAGCA on the coding strand, the reverse complement: POLG is on the minus strand); deleting any 6 consecutive bases within chr15:89,333,597-89,333,629 gives the same sequence; the position shown is the placement nearest the transcript's 3' end. VCF-style (leftmost placement, unchanged base first): chr15-89333596-TTGCTGC-T. GRCh37 (hg19) VCF-style: chr15-89876827-TTGCTGC-T.
Other names: c.153_158del (NM_002693.3); c.153_158delGCAGCA (NM_002693.2); c.126GCA[9], p.Gln54_Gln55del (NM_001126131.2).
Identifiers: ClinVar variation 167523 (VCV000167523.56), dbSNP rs41550117, ClinGen allele CA295636.

ClinVar aggregate classification (germline): Benign/Likely benign. Review status: criteria provided, multiple submitters, no conflicts (2 of 4 stars). 13 submissions from 13 submitters: Benign (3); Likely benign (6). 4 of the submissions do not count toward it. Last evaluated 2026-09-01.

Conditions:
Inborn genetic diseases. Identifiers: MedGen C0950123, MeSH D030342.
Progressive sclerosing poliodystrophy (MTDPS4A). Also called: Alpers-Huttenlocher Syndrome (AHS); NEURONAL DEGENERATION OF CHILDHOOD WITH LIVER DISEASE, PROGRESSIVE; ALPERS DIFFUSE DEGENERATION OF CEREBRAL GRAY MATTER WITH HEPATIC CIRRHOSIS; Alpers-Huttenlocher Syndrome; ALPERS PROGRESSIVE INFANTILE POLIODYSTROPHY; Alpers Syndrome. Identifiers: Orphanet 726, MedGen C0205710, MONDO:0008758, OMIM 203700.
Sensory ataxic neuropathy, dysarthria, and ophthalmoparesis (SANDO). Also called: Sensory ataxic neuropathy-dysarthria-ophthalmoparesis syndrome; Epilepsy, progressive myoclonic, type 5; SENSORY ATAXIC NEUROPATHY WITH MITOCHONDRIAL DNA DELETIONS, AUTOSOMAL RECESSIVE; Ataxia Neuropathy Spectrum (ANS). Identifiers: Orphanet 70595, MedGen C1843851, MONDO:0011835, OMIM 607459.
Progressive external ophthalmoplegia with mitochondrial DNA deletions, autosomal dominant 1 (PEOA1). Also called: Autosomal Dominant Progressive External Ophthalmoplegia (adPEO); PROGRESSIVE EXTERNAL OPHTHALMOPLEGIA, AUTOSOMAL DOMINANT 1. Identifiers: MedGen C1834846, MONDO:0024528, OMIM 157640.
Progressive external ophthalmoplegia with mitochondrial DNA deletions, autosomal recessive 1 (PEOB1). Also called: Autosomal Recessive Progressive External Ophthalmoplegia (arPEO); Progressive external ophthalmoplegia, autosomal recessive 1. Identifiers: Orphanet 254886, MedGen C4225153, MONDO:0009783, OMIM 258450.
Mitochondrial DNA depletion syndrome 1. Also called: Mitochondrial Neurogastrointestinal Encephalopathy Disease; MITOCHONDRIAL NEUROGASTROINTESTINAL ENCEPHALOPATHY SYNDROME, TYMP-RELATED; MNGIE, TYMP-RELATED; POLIP SYNDROME; POLYNEUROPATHY, OPHTHALMOPLEGIA, LEUKOENCEPHALOPATHY, AND INTESTINAL PSEUDOOBSTRUCTION; Mitochondrial neurogastrointestinal encephalomyopathy syndrome. Identifiers: Orphanet 298, MedGen C4551995, MONDO:0011283, OMIM 603041.
Mitochondrial DNA depletion syndrome 4b. Also called: Mitochondrial Neurogastrointestinal Encephalopathy Disease, POLG-Related; MNGIE, POLG-RELATED. Identifiers: Orphanet 298, MedGen C3150914, MONDO:0013350, OMIM 613662.

Submissions (13):

CeGaT Center for Human Genetics Tuebingen
Classification: Benign. Last evaluated: 2026-09-01. Review status: criteria provided, single submitter. Criteria: CeGaT Center For Human Genetics Tuebingen Variant Classification Criteria Version 2. Collection method: clinical testing. Allele origin: germline. Affected: yes. Observed: 68 variant alleles.
Comment: POLG: BP3, BS1, BS2

Labcorp Genetics (formerly Invitae), Labcorp
Classification: Benign for Progressive sclerosing poliodystrophy. Last evaluated: 2026-02-03. Review status: criteria provided, single submitter. Criteria: Invitae Variant Classification Sherloc (09022015). Collection method: clinical testing. Allele origin: germline.

Athena Diagnostics
Classification: Benign. Last evaluated: 2025-10-22. Review status: criteria provided, single submitter. Criteria: Athena Diagnostics Criteria. Collection method: clinical testing. Allele origin: unknown.
Comment: The frequency of this variant in the general population is higher than would generally be expected for pathogenic variants in this gene. Assessment of experimental evidence regarding the effect of this variant on protein function suggests it has no effect relevant to disease.

Laboratory of Genetics, Children's Clinical University Hospital Latvia
Classification: Likely benign. Last evaluated: 2025-02-16. Review status: criteria provided, single submitter. Criteria: ACMG Guidelines, 2015. Collection method: clinical testing. Allele origin: germline. Affected: yes.

Blueprint Genetics
Classification: Likely benign. Last evaluated: 2024-11-23. Review status: criteria provided, single submitter. Criteria: ACMG Guidelines, 2015. Collection method: clinical testing. Allele origin: germline.

ARUP Laboratories, Molecular Genetics and Genomics, ARUP Laboratories
Classification: Likely benign. Last evaluated: 2024-06-06. Review status: criteria provided, single submitter. Criteria: ARUP Molecular Germline Variant Investigation Process 2024. Collection method: clinical testing. Allele origin: germline.

Fulgent Genetics
Classification: Likely benign for Progressive external ophthalmoplegia with mitochondrial DNA deletions, autosomal dominant 1; Progressive sclerosing poliodystrophy; Progressive external ophthalmoplegia with mitochondrial DNA deletions, autosomal recessive 1; Mitochondrial DNA depletion syndrome 1; Sensory ataxic neuropathy, dysarthria, and ophthalmoparesis; Mitochondrial DNA depletion syndrome 4b. Last evaluated: 2022-04-08. Review status: criteria provided, single submitter. Criteria: ACMG Guidelines, 2015. Collection method: clinical testing. Allele origin: unknown.

Ambry Genetics
Classification: Likely benign for Inborn genetic diseases. Last evaluated: 2018-11-22. Review status: criteria provided, single submitter. Criteria: Ambry Variant Classification Scheme 2023. Collection method: clinical testing. Allele origin: germline.

GeneDx
Classification: Likely benign. Last evaluated: 2013-05-09. Review status: criteria provided, single submitter. Criteria: GeneDx Variant Classification (06012015). Collection method: clinical testing. Allele origin: germline. Affected: yes.
Comment: The variant is found in MITONUC-MITOP panel(s).

Mayo Clinic Laboratories, Mayo Clinic
Classification: Likely benign. Last evaluated: 2016-02-23. Review status: no assertion criteria provided. Collection method: clinical testing. Allele origin: unknown. Not counted in ClinVar's aggregate classification.

Eurofins Ntd Llc (ga)
Classification: Benign for AllHighlyPenetrant. Last evaluated: 2014-03-20. Review status: no assertion criteria provided. Collection method: clinical testing. Allele origin: germline. Observed: 2 variant alleles, 2 heterozygotes. Not counted in ClinVar's aggregate classification.

Clinical Genetics DNA and cytogenetics Diagnostics Lab, Erasmus MC, Erasmus Medical Center
Classification: Likely benign. Review status: no assertion criteria provided. Collection method: clinical testing. Allele origin: germline. Affected: yes. Study: VKGL Data-share Consensus. Not counted in ClinVar's aggregate classification.

Laboratory of Diagnostic Genome Analysis, Leiden University Medical Center (LUMC)
Classification: Likely benign. Review status: no assertion criteria provided. Collection method: clinical testing. Allele origin: germline. Affected: yes. Study: VKGL Data-share Consensus. Not counted in ClinVar's aggregate classification.

Literature cited by the submitters: PubMed 16392637 (cited by Athena Diagnostics); PubMed 15181541 (cited by Athena Diagnostics); PubMed 10827171 (cited by Athena Diagnostics); PubMed 30637288 (cited by Athena Diagnostics); PubMed 34023347 (cited by Athena Diagnostics); PubMed 30404819 (cited by Athena Diagnostics).